The following is an entry in ClinVar:

ClinVar aggregate classification (germline): Pathogenic (1 of 4 stars; one submission).

Conditions:
Neuronal ceroid lipofuscinosis. Also called: Neuronal Ceroid Lipofuscinoses. Identifiers: Orphanet 216, Orphanet 79263, MedGen C0027877, MONDO:0016295. Disease mechanism: loss of function.

Submission:

Labcorp Genetics (formerly Invitae), Labcorp
Classification: Pathogenic for Neuronal ceroid lipofuscinosis. Last evaluated: 2025-03-17. Review status: criteria provided, single submitter. Criteria: Invitae Variant Classification Sherloc (09022015). Collection method: clinical testing. Allele origin: germline.
Comment: This sequence change creates a premature translational stop signal (p.Val174Serfs*71) in the CTSD gene. It is expected to result in an absent or disrupted protein product. Loss-of-function variants in CTSD are known to be pathogenic (PMID: 16670177, 26059544). This variant is not present in population databases (gnomAD no frequency). This variant has not been reported in the literature in individuals affected with CTSD-related conditions. For these reasons, this variant has been classified as Pathogenic.

Literature cited by the submitters: PubMed 16670177; PubMed 26059544.

NM_001909.5(CTSD):c.519dup (p.Val174fs)

Gene: CTSD (cathepsin D; minus strand). Cytogenetic location: 11p15.5.
Variant type: Duplication.
Coding change: c.519dup on transcript NM_001909.5 (MANE Select); coding-DNA position 519, one base duplicated (A; older notation c.519dupA).
Protein change: p.Val174fs; shifts the reading frame from valine 174.
Molecular consequence: frameshift variant.
Genome position (GRCh38, 1-based): chr11:1,757,509, T duplicated on the plus strand (A on the coding strand, the reverse complement: CTSD is on the minus strand); the first of 3 consecutive T bases (chr11:1,757,509-1,757,511); duplicating any one gives the same sequence. VCF-style (leftmost placement, unchanged base first): chr11-1757508-C-CT. GRCh37 (hg19) VCF-style: chr11-1778738-C-CT.
Other names: short protein forms V174fs.
Identifiers: ClinVar variation 3664390 (VCV003664390.2).